The following is an entry in ClinVar:

NM_005012.4(ROR1):c.501T>C (p.Asp167=)

Gene: ROR1 (ROR family WNT receptor 1; plus strand). Cytogenetic location: 1p31.3.
Variant type: single nucleotide variant.
Coding change: c.501T>C on transcript NM_005012.4 (MANE Select); coding-DNA position 501, T replaced by C.
Protein change: p.Asp167=; no amino-acid change (aspartic acid 167 retained).
Molecular consequence: synonymous variant.
Genome position (GRCh38, 1-based): chr1:64,137,387, T>C. VCF-style: chr1-64137387-T-C. GRCh37 (hg19) VCF-style: chr1-64603070-T-C.
Other names: c.501T>C, p.Asp167= (NM_001083592.2).
Identifiers: ClinVar variation 4993400 (VCV004993400.1).
Genomic context (GRCh38, chr1:64,137,387, plus strand): 5'-TATGTGGTGCATCAGCTAATGTCTGTCTATGCTTTCTTTCAGAGATGAGTATGAAGAAGA[T>C]GGATTCTGTCAGCCATACAGAGGGATTGCATGTGCAAGATTTATTGGCAACCGCACCGTC-3'
Protein context (NP_005003.2, residues 157-177): SPGYSDEYEE[Asp167=]GFCQPYRGIA

ClinVar aggregate classification (germline): Likely benign (1 of 4 stars; one submission).

Conditions:
ROR1-related disorder. Also called: ROR1-related condition.

gnomAD v4.1: 15 of 1,613,888 alleles (0.00093%); highest among the groups gnomAD compares: African/African-American, 0.015%; no homozygotes.

Submission:

PreventionGenetics, part of Exact Sciences
Classification: Likely benign for ROR1-related condition. Last evaluated: 2026-07-02. Review status: criteria provided, single submitter. Criteria: ACMG Guidelines, 2015. Collection method: clinical testing. Allele origin: germline.
Comment: This variant is classified as likely benign based on ACMG/AMP sequence variant interpretation guidelines (Richards et al. 2015 PMID: 25741868, with internal and published modifications).